The following is an entry in ClinVar:

ClinVar aggregate classification (germline): Uncertain significance (1 of 4 stars; one submission).

Allele frequency attached by ClinVar (database versions not stated): gnomAD exomes below 0.00001; ExAC 0.00001; gnomAD 0.00001; TOPMed 0.00004; ESP Exome Variant Server 0.00008.
gnomAD v4.1: 5 of 1,614,078 alleles (0.00031%); highest among the groups gnomAD compares: African/African-American, 0.0053%; no homozygotes.

Submission:

Labcorp Genetics (formerly Invitae), Labcorp
Classification: Uncertain significance. Last evaluated: 2022-11-22. Review status: criteria provided, single submitter. Criteria: Invitae Variant Classification Sherloc (09022015). Collection method: clinical testing. Allele origin: germline.
Comment: Advanced modeling of protein sequence and biophysical properties (such as structural, functional, and spatial information, amino acid conservation, physicochemical variation, residue mobility, and thermodynamic stability) performed at Invitae indicates that this missense variant is not expected to disrupt KANK1 protein function. In summary, the available evidence is currently insufficient to determine the role of this variant in disease. Therefore, it has been classified as a Variant of Uncertain Significance. This variant has not been reported in the literature in individuals affected with KANK1-related conditions. This variant is present in population databases (rs371494360, gnomAD 0.01%). This sequence change replaces glutamine, which is neutral and polar, with glutamic acid, which is acidic and polar, at codon 921 of the KANK1 protein (p.Gln921Glu).

NM_015158.5(KANK1):c.2761C>G (p.Gln921Glu)

Gene: KANK1 (KN motif and ankyrin repeat domains 1; plus strand). Cytogenetic location: 9p24.3.
Variant type: single nucleotide variant.
Coding change: c.2761C>G on transcript NM_015158.5 (MANE Select); coding-DNA position 2761, C replaced by G.
Protein change: p.Gln921Glu; replaces glutamine 921 with glutamic acid.
Molecular consequence: missense variant. On other transcripts: non-coding transcript variant (1).
Genome position (GRCh38, 1-based): chr9:730,113, C>G. VCF-style: chr9-730113-C-G. GRCh37 (hg19) VCF-style: chr9-730113-C-G.
Other names: c.2287C>G, p.Gln763Glu (NM_153186.6, NM_001354333.2, NM_001354335.2 and 9 more transcripts); c.2761C>G, p.Gln921Glu (NM_001256876.3, NM_001256877.3, NM_001354331.2 and 2 more transcripts); short protein forms Q763E, Q921E.
Identifiers: ClinVar variation 1901401 (VCV001901401.5), dbSNP rs371494360, ClinGen allele CA4960611.